The following is an entry in ClinVar:

ClinVar aggregate classification (germline): Uncertain significance (1 of 4 stars; one submission).

Conditions:
Polycystic kidney disease, adult type (PKD1). Also called: POLYCYSTIC KIDNEY DISEASE, ADULT, TYPE I; Polycystic Kidney Disease 1, Autosomal Dominant; Polycystic kidney disease 1; Polycystic kidney disease 1, severe; Polycystic Kidney, Autosomal Dominant; POLYCYSTIC KIDNEY DISEASE 1 WITH OR WITHOUT POLYCYSTIC LIVER DISEASE. Identifiers: MedGen C3149841, MONDO:0008263, OMIM 173900.

Submission:

Juno Genomics, Hangzhou Juno Genomics, Inc
Classification: Uncertain significance for Polycystic kidney disease, adult type. Review status: criteria provided, single submitter. Criteria: ACMG Guidelines, 2015. Collection method: clinical testing. Allele origin: germline. Affected: yes.
Comment: Absent from controls (or at extremely low frequency if recessive) in Genome Aggregation Database, Exome Sequencing Project, 1000 Genomes Project, or Exome Aggregation Consortium.;Protein length changes due to in-frame deletions/insertions in a non-repeat region or stop-loss variants.;Patient's phenotype or family history is highly specific for a disease with a single genetic etiology.

NM_001009944.3(PKD1):c.12716_12724del (p.Leu4239_Gln4241del)

Gene: PKD1 (polycystin 1, transient receptor potential channel interacting; minus strand). Cytogenetic location: 16p13.3.
Variant type: Deletion.
Coding change: c.12716_12724del on transcript NM_001009944.3 (MANE Select); coding-DNA positions 12716 to 12724, 9 bases deleted (TGGAGCAGC; older notation c.12716_12724delTGGAGCAGC).
Protein change: p.Leu4239_Gln4241del.
Molecular consequence: inframe deletion.
Genome position (GRCh38, 1-based): chr16:2,089,915-2,089,923, GCTGCTCCA deleted on the plus strand (TGGAGCAGC on the coding strand, the reverse complement: PKD1 is on the minus strand); deleting any 9 consecutive bases within chr16:2,089,915-2,089,927 gives the same sequence; the c. name uses the placement nearest the transcript's 3' end. VCF-style (leftmost placement, unchanged base first): chr16-2089914-TGCTGCTCCA-T. GRCh37 (hg19) VCF-style: chr16-2139915-TGCTGCTCCA-T.
Other names: c.12713_12721del, p.Leu4238_Gln4240del (NM_000296.4).
Identifiers: ClinVar variation 3381889 (VCV003381889.2).